The following is an entry in ClinVar:

NM_007294.4(BRCA1):c.5407-8G>A

Gene: BRCA1 (BRCA1 DNA repair associated; minus strand). Cytogenetic location: 17q21.31.
Variant type: single nucleotide variant.
Coding change: c.5407-8G>A on transcript NM_007294.4 (MANE Select); 8 bases into the intron before coding-DNA position 5407, G replaced by A.
Molecular consequence: intron variant.
Genome position (GRCh38, 1-based): chr17:43,047,711, C>T on the plus strand (G>A on the coding strand, the complement: BRCA1 is on the minus strand). VCF-style: chr17-43047711-C-T. GRCh37 (hg19) VCF-style: chr17-41199728-C-T.
Other names: c.1954-8G>A (NM_001408458.1, NM_001408461.1, NM_001408464.1 and 7 more transcripts); c.4516-8G>A (NM_001407967.1); c.5026-8G>A (NM_001407959.1); c.5140-8G>A (NM_001407931.1, NM_001407932.1, NM_001407928.1 and 4 more transcripts); c.5263-8G>A (NM_001407747.1, NM_001407745.1, NM_001407737.1 and 18 more transcripts); c.5023-8G>A (NM_001407962.1, NM_001407960.1); c.1594-8G>A (NM_001408512.1); c.1717-8G>A (NM_001408510.1); and 83 more.
Identifiers: ClinVar variation 868453 (VCV000868453.3), dbSNP rs1597799650, ClinGen allele CA916080787.

Conditions:
Breast-ovarian cancer, familial, susceptibility to, 1 (BROVCA1). Also called: BRCA1 Hereditary Breast and Ovarian Cancer; OVARIAN CANCER, SUSCEPTIBILITY TO. Identifiers: Orphanet 145, MedGen C2676676, MONDO:0011450, OMIM 604370. Disease mechanism: loss of function.

Submission:

Brotman Baty Institute, University of Washington
No classification provided (evidence only). Condition: Breast-ovarian cancer, familial 1. Review status: no classification provided. Collection method: in vitro. Allele origin: not applicable. Functional consequence: functionally_normal.
ClinVar note: "not provided" was previously submitted as the classification for the variant. However, the classification appeared to be based only on an observation of functional data so it was converted to no classification on 2025-07-30.